The following is an entry in ClinVar:

ClinVar aggregate classification (germline): Uncertain significance. Review status: criteria provided, multiple submitters, no conflicts (2 of 4 stars). 2 submissions from 2 submitters: Uncertain significance (2). Last evaluated 2022-04-22.

Conditions:
Periodontitis, aggressive. Identifiers: MedGen C0031106, MONDO:0980757.
Papillon-Lefèvre syndrome (PALS). Also called: KERATOSIS PALMOPLANTARIS WITH PERIODONTOPATHIA; Papillon-Lefevre Disease. Identifiers: Orphanet 678, MedGen C0030360, MONDO:0009490, OMIM 245000.
Haim-Munk syndrome (HMS). Also called: COCHIN JEWISH DISORDER; KERATOSIS PALMOPLANTARIS WITH PERIODONTOPATHIA AND ONYCHOGRYPOSIS. Identifiers: Orphanet 2342, MedGen C1855627, MONDO:0009491, OMIM 245010.
Inborn genetic diseases. Identifiers: MedGen C0950123, MeSH D030342.

Submissions (2):

Ambry Genetics
Classification: Uncertain significance for Inborn genetic diseases. Last evaluated: 2022-04-22. Review status: criteria provided, single submitter. Criteria: Ambry Variant Classification Scheme 2023. Collection method: clinical testing. Allele origin: germline.

Labcorp Genetics (formerly Invitae), Labcorp
Classification: Uncertain significance for Haim-Munk syndrome; Periodontitis, aggressive; Papillon-Lefèvre syndrome. Last evaluated: 2022-03-12. Review status: criteria provided, single submitter. Criteria: Invitae Variant Classification Sherloc (09022015). Collection method: clinical testing. Allele origin: germline.
Comment: This sequence change replaces serine, which is neutral and polar, with glycine, which is neutral and non-polar, at codon 257 of the CTSC protein (p.Ser257Gly). This variant is not present in population databases (gnomAD no frequency). This variant has not been reported in the literature in individuals affected with CTSC-related conditions. Algorithms developed to predict the effect of missense changes on protein structure and function are either unavailable or do not agree on the potential impact of this missense change (SIFT: "Not Available"; PolyPhen-2: "Possibly Damaging"; Align-GVGD: "Not Available"). In summary, the available evidence is currently insufficient to determine the role of this variant in disease. Therefore, it has been classified as a Variant of Uncertain Significance.

NM_001814.6(CTSC):c.769A>G (p.Ser257Gly)

Gene: CTSC (cathepsin C; minus strand). Cytogenetic location: 11q14.2.
Variant type: single nucleotide variant.
Coding change: c.769A>G on transcript NM_001814.6 (MANE Select); coding-DNA position 769, A replaced by G.
Protein change: p.Ser257Gly; replaces serine 257 with glycine.
Molecular consequence: missense variant.
Genome position (GRCh38, 1-based): chr11:88,296,253, T>C on the plus strand (A>G on the coding strand, the complement: CTSC is on the minus strand). VCF-style: chr11-88296253-T-C. GRCh37 (hg19) VCF-style: chr11-88029421-T-C.
Other names: c.769A>G (NM_001814.4); short protein forms S257G.
Identifiers: ClinVar variation 1500247 (VCV001500247.4), dbSNP rs771218474, ClinGen allele CA382022930.
Genomic context (GRCh38, chr11:88,296,253, plus strand): 5'-TGTTGGTTAGTATACGGATTCTCGCTTCTAGCATACCCATAGAAGCAAATGAGTAGCAGC[T>C]GCCACAGGATGCTGGCGATGAAAAAAAGACACATAATCCAAGAGACATCTGAAGCCTCAC-3'
Protein context (NP_001805.4, residues 247-267): SPVRNQASCG[Ser257Gly]CYSFASMGML